The following is an entry in ClinVar:

NM_001283009.2(RTEL1):c.532G>A (p.Val178Ile)

Genes: RTEL1 (regulator of telomere elongation helicase 1; plus strand), RTEL1-TNFRSF6B (RTEL1-TNFRSF6B readthrough (NMD candidate); plus strand). Cytogenetic location: 20q13.33.
Variant type: single nucleotide variant.
Coding change: c.532G>A on transcript NM_001283009.2 (MANE Select); coding-DNA position 532, G replaced by A.
Protein change: p.Val178Ile; replaces valine 178 with isoleucine.
Molecular consequence: missense variant. On other transcripts: non-coding transcript variant (1), 5 prime UTR variant (1).
Genome position (GRCh38, 1-based): chr20:63,662,883, G>A. VCF-style: chr20-63662883-G-A. GRCh37 (hg19) VCF-style: chr20-62294236-G-A.
Other names: c.-138G>A (NM_001283010.1); c.532G>A, p.Val178Ile (NM_016434.4); c.604G>A, p.Val202Ile (NM_032957.5); c.604G>A (NM_032957.4); short protein forms V202I, V178I.
Identifiers: ClinVar variation 1468281 (VCV001468281.7), dbSNP rs184051277, ClinGen allele CA9964310.
Genomic context (GRCh38, chr20:63,662,883, plus strand): 5'-CCACAGATCCACTTGTGCCGTAAGAAGGTGGCAAGTCGCTCCTGTCATTTCTACAACAAC[G>A]TAGAAGGTACAAGCAGCTGGGTGGGACCAGGGTCGGGTTGGAGTGTGTGCAGCCTCTCAG-3'
Protein context (NP_001269938.1, residues 168-188): ASRSCHFYNN[Val178Ile]EEKSLEQELA

ClinVar aggregate classification (germline): Uncertain significance. Review status: criteria provided, multiple submitters, no conflicts (2 of 4 stars). 2 submissions from 2 submitters: Uncertain significance (2). Last evaluated 2024-01-17.

Conditions:
Dyskeratosis congenita, autosomal recessive 5 (DKCB5). Identifiers: MedGen C3554656, MONDO:0014076, OMIM 615190.
Pulmonary fibrosis and/or bone marrow failure, Telomere-related, 3. Also called: PULMONARY FIBROSIS AND/OR BONE MARROW FAILURE SYNDROME, TELOMERE-RELATED, 3. Identifiers: Orphanet 2032, MedGen C4225346, MONDO:0014613, OMIM 616373.

Allele frequency attached by ClinVar (database versions not stated): gnomAD 0.00001 and 0.00003; gnomAD exomes 0.00002 and 0.00003; TOPMed 0.00002; ExAC 0.00003; 1000 Genomes Project 0.00040; 1000 Genomes Project 30x 0.00047.
gnomAD v4.1: 31 of 1,613,966 alleles (0.0019%); highest among the groups gnomAD compares: East Asian, 0.031%; no homozygotes.

Submissions (2):

Labcorp Genetics (formerly Invitae), Labcorp
Classification: Uncertain significance for Dyskeratosis congenita, autosomal recessive 5; Pulmonary fibrosis and/or bone marrow failure, Telomere-related, 3. Last evaluated: 2024-01-17. Review status: criteria provided, single submitter. Criteria: Invitae Variant Classification Sherloc (09022015). Collection method: clinical testing. Allele origin: germline.
Comment: This sequence change replaces valine, which is neutral and non-polar, with isoleucine, which is neutral and non-polar, at codon 178 of the RTEL1 protein (p.Val178Ile). This variant is present in population databases (rs184051277, gnomAD 0.03%). This variant has not been reported in the literature in individuals affected with RTEL1-related conditions. ClinVar contains an entry for this variant (Variation ID: 1468281). Algorithms developed to predict the effect of missense changes on protein structure and function output the following: SIFT: "Not Available"; PolyPhen-2: "Benign"; Align-GVGD: "Not Available". The isoleucine amino acid residue is found in multiple mammalian species, which suggests that this missense change does not adversely affect protein function. In summary, the available evidence is currently insufficient to determine the role of this variant in disease. Therefore, it has been classified as a Variant of Uncertain Significance.

GeneDx
Classification: Uncertain significance. Last evaluated: 2022-09-13. Review status: criteria provided, single submitter. Criteria: GeneDx Variant Classification Process June 2021. Collection method: clinical testing. Allele origin: germline. Affected: yes.
Comment: In silico analysis supports that this missense variant does not alter protein structure/function; Has not been previously published as pathogenic or benign to our knowledge